The following is an entry in ClinVar:

NM_006432.5(NPC2):c.305A>G (p.Gln102Arg)

Gene: NPC2 (NPC intracellular cholesterol transporter 2; minus strand). Cytogenetic location: 14q24.3.
Variant type: single nucleotide variant.
Coding change: c.305A>G on transcript NM_006432.5 (MANE Select); coding-DNA position 305, A replaced by G.
Protein change: p.Gln102Arg; replaces glutamine 102 with arginine.
Molecular consequence: missense variant.
Genome position (GRCh38, 1-based): chr14:74,484,473, T>C on the plus strand (A>G on the coding strand, the complement: NPC2 is on the minus strand). VCF-style: chr14-74484473-T-C. GRCh37 (hg19) VCF-style: chr14-74951176-T-C.
Other names: c.305A>G (NM_006432.3); c.305A>G, p.Gln102Arg (NM_001363688.1, NM_001375440.1); short protein forms Q102R.
Identifiers: ClinVar variation 1389070 (VCV001389070.5), dbSNP rs930750290, ClinGen allele CA263660912.

ClinVar aggregate classification (germline): Uncertain significance. Review status: criteria provided, multiple submitters, no conflicts (2 of 4 stars). 3 submissions from 3 submitters: Uncertain significance (3). Last evaluated 2025-04-24.

Conditions:
Niemann-Pick disease, type C2 (NPC2). Identifiers: Orphanet 646, MedGen C1843366, MONDO:0011873, OMIM 607625.
NPC2-related disorder. Also called: NPC2-related condition.
Inborn genetic diseases. Identifiers: MedGen C0950123, MeSH D030342.

Allele frequency attached by ClinVar (database versions not stated): gnomAD exomes below 0.00001; TOPMed 0.00001; gnomAD 0.00002 and 0.00003.

Submissions (3):

PreventionGenetics, part of Exact Sciences
Classification: Uncertain significance for NPC2-related condition. Last evaluated: 2025-04-24. Review status: criteria provided, single submitter. Criteria: ACMG Guidelines, 2015. Collection method: clinical testing. Allele origin: germline.
Comment: The NPC2 c.305A>G variant is predicted to result in the amino acid substitution p.Gln102Arg. To our knowledge, this variant has not been reported in the literature. This variant is reported in 0.011% of alleles in individuals of African descent in gnomAD. At this time, the clinical significance of this variant is uncertain due to the absence of conclusive functional and genetic evidence.

Labcorp Genetics (formerly Invitae), Labcorp
Classification: Uncertain significance for Niemann-Pick disease, type C2. Last evaluated: 2022-07-21. Review status: criteria provided, single submitter. Criteria: Invitae Variant Classification Sherloc (09022015). Collection method: clinical testing. Allele origin: germline.
Comment: This sequence change replaces glutamine, which is neutral and polar, with arginine, which is basic and polar, at codon 102 of the NPC2 protein (p.Gln102Arg). This variant is present in population databases (no rsID available, gnomAD 0.01%). This variant has not been reported in the literature in individuals affected with NPC2-related conditions. ClinVar contains an entry for this variant (Variation ID: 1389070). Algorithms developed to predict the effect of missense changes on protein structure and function (SIFT, PolyPhen-2, Align-GVGD) all suggest that this variant is likely to be tolerated. In summary, the available evidence is currently insufficient to determine the role of this variant in disease. Therefore, it has been classified as a Variant of Uncertain Significance.

Ambry Genetics
Classification: Uncertain significance for Inborn genetic diseases. Last evaluated: 2022-04-13. Review status: criteria provided, single submitter. Criteria: Ambry Variant Classification Scheme 2023. Collection method: clinical testing. Allele origin: germline.